The following is an entry in ClinVar:

NM_001458.5(FLNC):c.6938G>A (p.Gly2313Asp)

Genes: FLNC (filamin C; plus strand), FLNC-AS1 (FLNC antisense RNA 1; minus strand). Cytogenetic location: 7q32.1.
Variant type: single nucleotide variant.
Coding change: c.6938G>A on transcript NM_001458.5 (MANE Select); coding-DNA position 6938, G replaced by A.
Protein change: p.Gly2313Asp; replaces glycine 2313 with aspartic acid.
Molecular consequence: missense variant.
Genome position (GRCh38, 1-based): chr7:128,854,623, G>A. VCF-style: chr7-128854623-G-A. GRCh37 (hg19) VCF-style: chr7-128494677-G-A.
Other names: c.6839G>A, p.Gly2280Asp (NM_001127487.2); short protein forms G2313D, G2280D.
Identifiers: ClinVar variation 943783 (VCV000943783.11), dbSNP rs1808975955, ClinGen allele CA369214254.

ClinVar aggregate classification (germline): Uncertain significance (1 of 4 stars; one submission).

Conditions:
Myofibrillar myopathy 5. Also called: Filaminopathy (type); FILAMINOPATHY, AUTOSOMAL DOMINANT. Identifiers: Orphanet 171445, MedGen C1836050, MONDO:0012289, OMIM 609524.
Distal myopathy with posterior leg and anterior hand involvement. Also called: WILLIAMS DISTAL MYOPATHY. Identifiers: Orphanet 63273, MedGen C3279722, MONDO:0013550, OMIM 614065.
Hypertrophic cardiomyopathy 26. Also called: Cardiomyopathy, familial hypertrophic, 26. Identifiers: Orphanet 75249, MedGen C4310749, MONDO:0014883, OMIM 617047.

Submission:

Labcorp Genetics (formerly Invitae), Labcorp
Classification: Uncertain significance for Distal myopathy with posterior leg and anterior hand involvement; Myofibrillar myopathy 5; Hypertrophic cardiomyopathy 26. Last evaluated: 2025-05-07. Review status: criteria provided, single submitter. Criteria: Invitae Variant Classification Sherloc (09022015). Collection method: clinical testing. Allele origin: germline.
Comment: This sequence change replaces glycine, which is neutral and non-polar, with aspartic acid, which is acidic and polar, at codon 2313 of the FLNC protein (p.Gly2313Asp). This variant is not present in population databases (gnomAD no frequency). This variant has not been reported in the literature in individuals affected with FLNC-related conditions. ClinVar contains an entry for this variant (Variation ID: 943783). An algorithm developed to predict the effect of missense changes on protein structure and function (PolyPhen-2) suggests that this variant is likely to be disruptive. In summary, the available evidence is currently insufficient to determine the role of this variant in disease. Therefore, it has been classified as a Variant of Uncertain Significance.